The following is an entry in ClinVar:

NM_000500.9(CYP21A2):c.1118+1G>A

Genes: CYP21A2 (cytochrome P450 family 21 subfamily A member 2; plus strand), LOC106780800 (CYP21A2 recombination region; plus strand). Cytogenetic location: 6p21.33.
Variant type: single nucleotide variant.
Coding change: c.1118+1G>A on transcript NM_000500.9 (MANE Select); the canonical splice donor site of the intron after coding-DNA position 1118, G replaced by A.
Molecular consequence: splice donor variant.
Genome position (GRCh38, 1-based): chr6:32,040,585, G>A. VCF-style: chr6-32040585-G-A. GRCh37 (hg19) VCF-style: chr6-32008362-G-A.
Other names: c.713+1G>A (NM_001368143.2, NM_001368144.2); c.1028+1G>A (NM_001128590.4).
Identifiers: ClinVar variation 1345039 (VCV001345039.2), dbSNP rs778895502, ClinGen allele CA3732638.

ClinVar aggregate classification (germline): Likely pathogenic (1 of 4 stars; one submission).

Conditions:
21-Hydroxylase-Deficient Congenital Adrenal Hyperplasia. Also called: ADRENAL HYPERPLASIA, CONGENITAL, DUE TO 21-HYDROXYLASE DEFICIENCY; ADRENAL HYPERPLASIA III. Identifiers: MedGen C2936858, OMIM 201910.

Allele frequency attached by ClinVar (database versions not stated): ExAC 0.00001.

Submission:

Institute of Medical Genetics and Genomics, Sir Ganga Ram Hospital
Classification: Likely pathogenic for 21-Hydroxylase-Deficient Congenital Adrenal Hyperplasia. Last evaluated: 2021-03-10. Review status: criteria provided, single submitter. Criteria: ACMG Guidelines, 2015. Collection method: clinical testing. Allele origin: germline. Affected: yes. Observed: 1 variant allele.
Comment: This variant was present in trans with c.293-13A/C>G variant of CYP21A2 gene

Literature cited by the submitters: PubMed 23359698; PubMed 33552137; PubMed 30611409; PubMed 29035424.